The following is an entry in ClinVar:

NM_016222.4(DDX41):c.899G>T (p.Gly300Val)

Gene: DDX41 (DEAD-box helicase 41; minus strand). Cytogenetic location: 5q35.3.
Variant type: single nucleotide variant.
Coding change: c.899G>T on transcript NM_016222.4 (MANE Select); coding-DNA position 899, G replaced by T.
Protein change: p.Gly300Val; replaces glycine 300 with valine.
Molecular consequence: missense variant.
Genome position (GRCh38, 1-based): chr5:177,514,737, C>A on the plus strand (G>T on the coding strand, the complement: DDX41 is on the minus strand). VCF-style: chr5-177514737-C-A. GRCh37 (hg19) VCF-style: chr5-176941738-C-A.
Other names: c.521G>T, p.Gly174Val (NM_001321732.2, NM_001321830.2); short protein forms G174V, G300V.
Identifiers: ClinVar variation 5035145 (VCV005035145.1).

ClinVar aggregate classification (germline): Uncertain significance (1 of 4 stars; one submission).

Conditions:
Inborn genetic diseases. Identifiers: MedGen C0950123, MeSH D030342.

Submission:

Ambry Genetics
Classification: Uncertain significance for Inborn genetic diseases. Last evaluated: 2026-07-04. Review status: criteria provided, single submitter. Criteria: Ambry Variant Classification Scheme 2023. Collection method: clinical testing. Allele origin: germline.
Comment: The p.G300V variant (also known as c.899G>T), located in coding exon 9 of the DDX41 gene, results from a G to T substitution at nucleotide position 899. The glycine at codon 300 is replaced by valine, an amino acid with dissimilar properties. This amino acid position is conserved. In addition, this alteration is predicted to be deleterious by in silico analysis. Based on the available evidence, the clinical significance of this variant remains unclear.